The following is an entry in ClinVar:

ClinVar aggregate classification (germline): Uncertain significance (1 of 4 stars; one submission).

Conditions:
Autosomal recessive ataxia, Beauce type. Also called: SYNE1-Related Autosomal Recessive Cerebellar Ataxia; SYNE1 Deficiency; Spinocerebellar ataxia, autosomal recessive 8; ATAXIA, RECESSIVE, OF BEAUCE. Identifiers: Orphanet 88644, MedGen C1853116, MONDO:0012549, OMIM 610743.
Emery-Dreifuss muscular dystrophy 4, autosomal dominant (EDMD4). Also called: EMERY-DREIFUSS MUSCULAR DYSTROPHY 4 WITH VARIABLE FEATURES. Identifiers: Orphanet 261, MedGen C2751807, MONDO:0013071, OMIM 612998.

gnomAD v4.1: 6 of 1,614,020 alleles (0.00037%); highest among the groups gnomAD compares: South Asian, 0.0022%; no homozygotes.

Submission:

Labcorp Genetics (formerly Invitae), Labcorp
Classification: Uncertain significance for Emery-Dreifuss muscular dystrophy 4, autosomal dominant; Autosomal recessive ataxia, Beauce type. Last evaluated: 2022-08-15. Review status: criteria provided, single submitter. Criteria: Invitae Variant Classification Sherloc (09022015). Collection method: clinical testing. Allele origin: germline.
Comment: This sequence change replaces valine, which is neutral and non-polar, with isoleucine, which is neutral and non-polar, at codon 744 of the SYNE1 protein (p.Val744Ile). This variant is not present in population databases (gnomAD no frequency). This variant has not been reported in the literature in individuals affected with SYNE1-related conditions. ClinVar contains an entry for this variant (Variation ID: 1354435). Algorithms developed to predict the effect of missense changes on protein structure and function (SIFT, PolyPhen-2, Align-GVGD) all suggest that this variant is likely to be tolerated. In summary, the available evidence is currently insufficient to determine the role of this variant in disease. Therefore, it has been classified as a Variant of Uncertain Significance.

NM_182961.4(SYNE1):c.2209G>A (p.Val737Ile)

Gene: SYNE1 (spectrin repeat containing nuclear envelope protein 1; minus strand). Cytogenetic location: 6q25.2.
Variant type: single nucleotide variant.
Coding change: c.2209G>A on transcript NM_182961.4 (MANE Select); coding-DNA position 2209, G replaced by A.
Protein change: p.Val737Ile; replaces valine 737 with isoleucine.
Molecular consequence: missense variant.
Genome position (GRCh38, 1-based): chr6:152,462,779, C>T on the plus strand (G>A on the coding strand, the complement: SYNE1 is on the minus strand). VCF-style: chr6-152462779-C-T. GRCh37 (hg19) VCF-style: chr6-152783914-C-T.
Other names: c.2230G>A, p.Val744Ile (NM_033071.5); short protein forms V737I, V744I.
Identifiers: ClinVar variation 1354435 (VCV001354435.6), dbSNP rs2154266865, ClinGen allele CA366121407.